The following is an entry in ClinVar:

NM_030665.4(RAI1):c.227A>G (p.Asp76Gly)

Gene: RAI1 (retinoic acid induced 1; plus strand). Cytogenetic location: 17p11.2.
Variant type: single nucleotide variant.
Coding change: c.227A>G on transcript NM_030665.4 (MANE Select); coding-DNA position 227, A replaced by G.
Protein change: p.Asp76Gly; replaces aspartic acid 76 with glycine.
Molecular consequence: missense variant.
Genome position (GRCh38, 1-based): chr17:17,793,175, A>G. VCF-style: chr17-17793175-A-G. GRCh37 (hg19) VCF-style: chr17-17696489-A-G.
Other names: short protein forms D76G.
Identifiers: ClinVar variation 4989546 (VCV004989546.1).

ClinVar aggregate classification (germline): Uncertain significance (1 of 4 stars; one submission).

Conditions:
RAI1-related disorder. Also called: RAI1-related condition.

Submission:

PreventionGenetics, part of Exact Sciences
Classification: Uncertain significance for RAI1-related condition. Last evaluated: 2026-03-14. Review status: criteria provided, single submitter. Criteria: ACMG Guidelines, 2015. Collection method: clinical testing. Allele origin: germline.
Comment: The RAI1 c.227A>G variant is predicted to result in the amino acid substitution p.Asp76Gly. To our knowledge, this variant has not been reported in the literature or in a large population database (gnomAD), indicating this variant is rare. At this time, the clinical significance of this variant is uncertain due to the absence of conclusive functional and genetic evidence.